The following is an entry in ClinVar:

ClinVar aggregate classification (germline): Uncertain significance (1 of 4 stars; one submission).

Submission:

Labcorp Genetics (formerly Invitae), Labcorp
Classification: Uncertain significance. Last evaluated: 2022-03-24. Review status: criteria provided, single submitter. Criteria: Invitae Variant Classification Sherloc (09022015). Collection method: clinical testing. Allele origin: germline.
Comment: In summary, the available evidence is currently insufficient to determine the role of this variant in disease. Therefore, it has been classified as a Variant of Uncertain Significance. Algorithms developed to predict the effect of missense changes on protein structure and function are either unavailable or do not agree on the potential impact of this missense change (SIFT: "Not Available"; PolyPhen-2: "Probably Damaging"; Align-GVGD: "Not Available"). This variant has not been reported in the literature in individuals affected with TMPRSS15-related conditions. This variant is not present in population databases (gnomAD no frequency). This sequence change replaces alanine, which is neutral and non-polar, with valine, which is neutral and non-polar, at codon 550 of the TMPRSS15 protein (p.Ala550Val).

NM_002772.3(TMPRSS15):c.1649C>T (p.Ala550Val)

Gene: TMPRSS15 (transmembrane serine protease 15; minus strand). Cytogenetic location: 21q21.1.
Variant type: single nucleotide variant.
Coding change: c.1649C>T on transcript NM_002772.3 (MANE Select); coding-DNA position 1649, C replaced by T.
Protein change: p.Ala550Val; replaces alanine 550 with valine.
Molecular consequence: missense variant.
Genome position (GRCh38, 1-based): chr21:18,332,089, G>A on the plus strand (C>T on the coding strand, the complement: TMPRSS15 is on the minus strand). VCF-style: chr21-18332089-G-A. GRCh37 (hg19) VCF-style: chr21-19704406-G-A.
Other names: short protein forms A550V.
Identifiers: ClinVar variation 2116517 (VCV002116517.4), dbSNP rs767357761, ClinGen allele CA409850113.
Genomic context (GRCh38, chr21:18,332,089, plus strand): 5'-ATCTACATTTCATATGGACATTTGTTTCTGATGACCTGGAAAAGAAATGACTCACAGAAA[G>A]CCAGATTAGGGTAGCTGTTTGGAAAGTTCGTAGAACTGAATGTTGTATTTGGCTCCCACA-3'
Protein context (NP_002763.3, residues 540-560): TNFPNSYPNL[Ala550Val]FCVWILNAQK